The following is an entry in ClinVar:

NM_001845.6(COL4A1):c.958-9C>T

Gene: COL4A1 (collagen type IV alpha 1 chain; minus strand). Cytogenetic location: 13q34.
Variant type: single nucleotide variant.
Coding change: c.958-9C>T on transcript NM_001845.6 (MANE Select); 9 bases into the intron before coding-DNA position 958, C replaced by T.
Molecular consequence: intron variant.
Genome position (GRCh38, 1-based): chr13:110,203,616, G>A on the plus strand (C>T on the coding strand, the complement: COL4A1 is on the minus strand). VCF-style: chr13-110203616-G-A. GRCh37 (hg19) VCF-style: chr13-110855963-G-A.
Other names: p.?; c.958-9C>T (NM_001303110.2).
Identifiers: ClinVar variation 311068 (VCV000311068.22), dbSNP rs73611465, ClinGen allele CA7048183.
Genomic context (GRCh38, chr13:110,203,616, plus strand): 5'-TCTTACTCACAATTCCAGGTGGGCCAGGAGGACCTGCTTCACCCTTTTCTCCCTACAAAA[G>A]AAAAAATAACTTTCCTTGCATATTCTTACTATAAAGATTGTCTTGCAGAAAGCAGATTAA-3'

ClinVar aggregate classification (germline): Benign. Review status: criteria provided, multiple submitters, no conflicts (2 of 4 stars). 7 submissions from 6 submitters: Benign (7). Last evaluated 2026-02-03.

Conditions:
Brain small vessel disease 1 with or without ocular anomalies (BSVD1). Also called: BRAIN SMALL VESSEL DISEASE WITH HEMORRHAGE; GOULD SYNDROME 1; PORENCEPHALY, TYPE 1, AUTOSOMAL DOMINANT; Brain small vessel disease with or without ocular anomalies. Identifiers: Orphanet 2940, Orphanet 36383, Orphanet 99810, MedGen C4755307, MONDO:0008289, OMIM 175780.
Autosomal dominant familial hematuria-retinal arteriolar tortuosity-contractures syndrome. Also called: Angiopathy, hereditary, with nephropathy, aneurysms, and muscle cramps; Hereditary Angiopathy with Nephropathy, Aneurysms, and Muscle Cramps (HANAC) Syndrome. Identifiers: Orphanet 73229, MedGen C2673195, MONDO:0012726, OMIM 611773.

Allele frequency attached by ClinVar (database versions not stated): gnomAD exomes 0.00502; ExAC 0.00649; 1000 Genomes Project 0.01857; 1000 Genomes Project 30x 0.01952; gnomAD 0.02116 and 0.02279; TOPMed 0.02330; ESP Exome Variant Server 0.02360.
gnomAD v4.1: 6,157 of 1,613,768 alleles (0.38%); highest among the groups gnomAD compares: African/African-American, 7.5%; 171 homozygotes.

Submissions (7):

Labcorp Genetics (formerly Invitae), Labcorp
Classification: Benign. Last evaluated: 2026-02-03. Review status: criteria provided, single submitter. Criteria: Invitae Variant Classification Sherloc (09022015). Collection method: clinical testing. Allele origin: germline.

Athena Diagnostics
Classification: Benign. Last evaluated: 2024-03-25. Review status: criteria provided, single submitter. Criteria: Athena Diagnostics Criteria. Collection method: clinical testing. Allele origin: unknown.

Mayo Clinic Laboratories, Mayo Clinic
Classification: Benign. Last evaluated: 2023-04-10. Review status: criteria provided, single submitter. Criteria: ACMG Guidelines, 2015. Collection method: clinical testing. Allele origin: germline. Observed: 30 variant alleles.

GeneDx
Classification: Benign. Last evaluated: 2018-07-09. Review status: criteria provided, single submitter. Criteria: GeneDx Variant Classification Process June 2021. Collection method: clinical testing. Allele origin: germline. Affected: yes.

Illumina Laboratory Services, Illumina
Classification: Benign for Autosomal dominant familial hematuria-retinal arteriolar tortuosity-contractures syndrome. Last evaluated: 2018-01-12. Review status: criteria provided, single submitter. Criteria: ICSL Variant Classification Criteria 13 December 2019. Collection method: clinical testing. Allele origin: germline.
Comment: This variant was observed in the ICSL laboratory as part of a predisposition screen in an ostensibly healthy population. It had not been previously curated by ICSL or reported in the Human Gene Mutation Database (HGMD: prior to June 1st, 2018), and was therefore a candidate for classification through an automated scoring system. Utilizing variant allele frequency, disease prevalence and penetrance estimates, and inheritance mode, an automated score was calculated to assess if this variant is too frequent to cause the disease. Based on the score and internal cut-off values, a variant classified as benign is not then subjected to further curation. The score for this variant resulted in a classification of benign for this disease.

Illumina Laboratory Services, Illumina
Classification: Benign for Brain small vessel disease 1 with or without ocular anomalies. Last evaluated: 2018-01-12. Review status: criteria provided, single submitter. Criteria: ICSL Variant Classification Criteria 13 December 2019. Collection method: clinical testing. Allele origin: germline.
Comment: the same text as in the submission from Illumina Laboratory Services, Illumina above.

Breakthrough Genomics
Classification: Benign. Review status: criteria provided, single submitter. Criteria: ACMG Guidelines, 2015. Collection method: not provided. Allele origin: germline. Inheritance: Autosomal dominant inheritance. Affected: yes.